The following is an entry in ClinVar:

ClinVar aggregate classification (germline): Uncertain significance. Review status: criteria provided, multiple submitters, no conflicts (2 of 4 stars). 2 submissions from 2 submitters: Uncertain significance (2). Last evaluated 2022-08-15.

Conditions:
Short-rib thoracic dysplasia 13 with or without polydactyly (SRTD13). Identifiers: Orphanet 474, MedGen C4225378, MONDO:0014577, OMIM 616300.

Allele frequency attached by ClinVar (database versions not stated): gnomAD exomes 0.00003; ExAC 0.00005; gnomAD 0.00005 and 0.00006; TOPMed 0.00011; ESP Exome Variant Server 0.00023.
gnomAD v4.1: 28 of 1,613,032 alleles (0.0017%); highest among the groups gnomAD compares: African/African-American, 0.012%; no homozygotes.

Submissions (2):

Labcorp Genetics (formerly Invitae), Labcorp
Classification: Uncertain significance for Short-rib thoracic dysplasia 13 with or without polydactyly. Last evaluated: 2022-08-15. Review status: criteria provided, single submitter. Criteria: Invitae Variant Classification Sherloc (09022015). Collection method: clinical testing. Allele origin: germline.
Comment: This sequence change replaces arginine, which is basic and polar, with histidine, which is basic and polar, at codon 574 of the CEP120 protein (p.Arg574His). This variant is present in population databases (rs367748337, gnomAD 0.03%). This variant has not been reported in the literature in individuals affected with CEP120-related conditions. ClinVar contains an entry for this variant (Variation ID: 652583). Algorithms developed to predict the effect of missense changes on protein structure and function are either unavailable or do not agree on the potential impact of this missense change (SIFT: "Deleterious"; PolyPhen-2: "Benign"; Align-GVGD: "Class C25"). In summary, the available evidence is currently insufficient to determine the role of this variant in disease. Therefore, it has been classified as a Variant of Uncertain Significance.

GeneDx
Classification: Uncertain significance. Last evaluated: 2022-01-07. Review status: criteria provided, single submitter. Criteria: GeneDx Variant Classification Process June 2021. Collection method: clinical testing. Allele origin: germline. Affected: yes.
Comment: In silico analysis supports that this missense variant has a deleterious effect on protein structure/function; Has not been previously published as pathogenic or benign to our knowledge

NM_001375405.1(CEP120):c.1721G>A (p.Arg574His)

Gene: CEP120 (centrosomal protein 120; minus strand). Cytogenetic location: 5q23.2.
Variant type: single nucleotide variant.
Coding change: c.1721G>A on transcript NM_001375405.1 (MANE Select); coding-DNA position 1721, G replaced by A.
Protein change: p.Arg574His; replaces arginine 574 with histidine.
Molecular consequence: missense variant. On other transcripts: non-coding transcript variant (1).
Genome position (GRCh38, 1-based): chr5:123,384,993, C>T on the plus strand (G>A on the coding strand, the complement: CEP120 is on the minus strand). VCF-style: chr5-123384993-C-T. GRCh37 (hg19) VCF-style: chr5-122720687-C-T.
Other names: c.1643G>A, p.Arg548His (NM_001166226.2); c.1586G>A, p.Arg529His (NM_001375406.1); c.1721G>A, p.Arg574His (NM_001375407.1, NM_153223.4); c.1148G>A, p.Arg383His (NM_001375408.1, NM_001375409.1); short protein forms R574H, R548H, R383H, R529H.
Identifiers: ClinVar variation 652583 (VCV000652583.5), dbSNP rs367748337, ClinGen allele CA3386892.